The following is an entry in ClinVar:

ClinVar aggregate classification (germline): Uncertain significance. Review status: criteria provided, multiple submitters, no conflicts (2 of 4 stars). 3 submissions from 3 submitters: Uncertain significance (3). Last evaluated 2025-10-26.

Conditions:
Primary ciliary dyskinesia. Also called: Ciliary dyskinesia. Identifiers: Orphanet 244, MedGen C0008780, MONDO:0016575, HP:0012265.

gnomAD v4.1: 4 of 1,585,132 alleles (0.00025%); highest among the groups gnomAD compares: Non-Finnish European, 0.00034%; no homozygotes.

Submissions (3):

Labcorp Genetics (formerly Invitae), Labcorp
Classification: Uncertain significance for Primary ciliary dyskinesia. Last evaluated: 2025-10-26. Review status: criteria provided, single submitter. Criteria: Invitae Variant Classification Sherloc (09022015). Collection method: clinical testing. Allele origin: germline.
Comment: This sequence change replaces threonine, which is neutral and polar, with proline, which is neutral and non-polar, at codon 4154 of the DNAH8 protein (p.Thr4154Pro). This variant is not present in population databases (gnomAD no frequency). This variant has not been reported in the literature in individuals affected with DNAH8-related conditions. ClinVar contains an entry for this variant (Variation ID: 3841310). Invitae Evidence Modeling of protein sequence and biophysical properties (such as structural, functional, and spatial information, amino acid conservation, physicochemical variation, residue mobility, and thermodynamic stability) indicates that this missense variant is not expected to disrupt DNAH8 protein function with a negative predictive value of 80%. In summary, the available evidence is currently insufficient to determine the role of this variant in disease. Therefore, it has been classified as a Variant of Uncertain Significance.

Ambry Genetics
Classification: Uncertain significance. Last evaluated: 2025-01-18. Review status: criteria provided, single submitter. Criteria: Ambry Variant Classification Scheme 2023. Collection method: clinical testing. Allele origin: germline.

GeneDx
Classification: Uncertain significance. Last evaluated: 2024-12-15. Review status: criteria provided, single submitter. Criteria: GeneDx Variant Classification Process June 2021. Collection method: clinical testing. Allele origin: germline. Affected: yes.
Comment: Not observed at significant frequency in large population cohorts (gnomAD); In silico analysis indicates that this missense variant does not alter protein structure/function; Has not been previously published as pathogenic or benign to our knowledge

NM_001206927.2(DNAH8):c.12460A>C (p.Thr4154Pro)

Gene: DNAH8 (dynein axonemal heavy chain 8; plus strand). Cytogenetic location: 6p21.2.
Variant type: single nucleotide variant.
Coding change: c.12460A>C on transcript NM_001206927.2 (MANE Select); coding-DNA position 12460, A replaced by C.
Protein change: p.Thr4154Pro; replaces threonine 4154 with proline.
Molecular consequence: missense variant.
Genome position (GRCh38, 1-based): chr6:38,971,600, A>C. VCF-style: chr6-38971600-A-C. GRCh37 (hg19) VCF-style: chr6-38939376-A-C.
Other names: c.11809A>C, p.Thr3937Pro (NM_001371.4); short protein forms T3937P, T4154P.
Identifiers: ClinVar variation 3841310 (VCV003841310.3).